The following is an entry in ClinVar:

ClinVar aggregate classification (germline): Uncertain significance. Review status: criteria provided, multiple submitters, no conflicts (2 of 4 stars). 2 submissions from 2 submitters: Uncertain significance (2). Last evaluated 2025-01-20.

Submissions (2):

Dasa
Classification: Uncertain significance. Last evaluated: 2025-01-20. Review status: criteria provided, single submitter. Criteria: DASA Assertion Criteria. Collection method: clinical testing. Allele origin: germline.
Comment: NM_006231.4(POLE):c.259A>T (p.Ile87Phe) is a missense variant that results in the substitution of isoleucine with phenylalanine. This variant is absent from population databases. Computational prediction algorithms are consistent with a benign effect. The currently available literature and clinical evidence are not sufficient to establish a definitive association between this variant and the reported condition. Therefore, this variant is classified as a variant of uncertain significance.

Labcorp Genetics (formerly Invitae), Labcorp
Classification: Uncertain significance. Last evaluated: 2024-04-26. Review status: criteria provided, single submitter. Criteria: Invitae Variant Classification Sherloc (09022015). Collection method: clinical testing. Allele origin: germline.
Comment: This sequence change replaces isoleucine, which is neutral and non-polar, with phenylalanine, which is neutral and non-polar, at codon 87 of the POLE protein (p.Ile87Phe). This variant is not present in population databases (gnomAD no frequency). This variant has not been reported in the literature in individuals affected with POLE-related conditions. Advanced modeling of protein sequence and biophysical properties (such as structural, functional, and spatial information, amino acid conservation, physicochemical variation, residue mobility, and thermodynamic stability) performed at Invitae indicates that this missense variant is not expected to disrupt POLE protein function with a negative predictive value of 80%. In summary, the available evidence is currently insufficient to determine the role of this variant in disease. Therefore, it has been classified as a Variant of Uncertain Significance.

NM_006231.4(POLE):c.259A>T (p.Ile87Phe)

Gene: POLE (DNA polymerase epsilon, catalytic subunit; minus strand). Cytogenetic location: 12q24.33.
Variant type: single nucleotide variant.
Coding change: c.259A>T on transcript NM_006231.4 (MANE Select); coding-DNA position 259, A replaced by T.
Protein change: p.Ile87Phe; replaces isoleucine 87 with phenylalanine.
Molecular consequence: missense variant.
Genome position (GRCh38, 1-based): chr12:132,680,633, T>A on the plus strand (A>T on the coding strand, the complement: POLE is on the minus strand). VCF-style: chr12-132680633-T-A. GRCh37 (hg19) VCF-style: chr12-133257219-T-A.
Other names: short protein forms I87F.
Identifiers: ClinVar variation 3650761 (VCV003650761.4).
Genomic context (GRCh38, chr12:132,680,633, plus strand): 5'-AGTGGGTTTTAGCTTGTCGCAGTCAGGGGCTTACCTTAAATCTGCTTCCGTCATCTTGAA[T>A]AAAGTAGTAATCCACTGCACTGCCTAAGCGCTTATCTTCATCTAAAATCTCGGTCTACAA-3'
Protein context (NP_006222.2, residues 77-97): RLGSAVDYYF[Ile87Phe]QDDGSRFKVA